The following is an entry in ClinVar:

ClinVar aggregate classification (germline): Likely benign. Review status: criteria provided, single submitter (1 of 4 stars). 2 submissions from 2 submitters: Likely benign (1). 1 of the submissions does not count toward it. Last evaluated 2025-10-20.

Conditions:
SON-related disorder. Also called: SON-related condition.

Allele frequency attached by ClinVar (database versions not stated): gnomAD exomes 0.00008 and 0.00022; ExAC 0.00017; ESP Exome Variant Server 0.00069; gnomAD 0.00074 and 0.00078; TOPMed 0.00084; 1000 Genomes Project 0.00100; 1000 Genomes Project 30x 0.00109.
gnomAD v4.1: 234 of 1,614,246 alleles (0.014%); highest among the groups gnomAD compares: African/African-American, 0.28%; no homozygotes.

Submissions (2):

Labcorp Genetics (formerly Invitae), Labcorp
Classification: Likely benign. Last evaluated: 2025-10-20. Review status: criteria provided, single submitter. Criteria: Invitae Variant Classification Sherloc (09022015). Collection method: clinical testing. Allele origin: germline.

PreventionGenetics, part of Exact Sciences
Classification: Likely benign for SON-related condition. Last evaluated: 2023-12-11. Review status: no assertion criteria provided. Collection method: clinical testing. Allele origin: germline. Not counted in ClinVar's aggregate classification.
Comment: This variant is classified as likely benign based on ACMG/AMP sequence variant interpretation guidelines (Richards et al. 2015 PMID: 25741868, with internal and published modifications).

NM_138927.4(SON):c.634G>T (p.Ala212Ser)

Gene: SON (SON DNA and RNA binding protein; plus strand). Cytogenetic location: 21q22.11.
Variant type: single nucleotide variant.
Coding change: c.634G>T on transcript NM_138927.4 (MANE Select); coding-DNA position 634, G replaced by T.
Protein change: p.Ala212Ser; replaces alanine 212 with serine.
Molecular consequence: missense variant. On other transcripts: non-coding transcript variant (1), intron variant (1).
Genome position (GRCh38, 1-based): chr21:33,549,865, G>T. VCF-style: chr21-33549865-G-T. GRCh37 (hg19) VCF-style: chr21-34922171-G-T.
Other names: c.634G>T, p.Ala212Ser (NM_001291411.2, NM_032195.3); c.244+3486G>T (NM_001291412.3); c.634G>T (NM_138927.2); short protein forms A212S.
Identifiers: ClinVar variation 1135689 (VCV001135689.11), dbSNP rs140720409, ClinGen allele CA10008723.